The following is an entry in ClinVar:

NM_001458.5(FLNC):c.4061G>T (p.Arg1354Leu)

Gene: FLNC (filamin C; plus strand). Cytogenetic location: 7q32.1.
Variant type: single nucleotide variant.
Coding change: c.4061G>T on transcript NM_001458.5 (MANE Select); coding-DNA position 4061, G replaced by T.
Protein change: p.Arg1354Leu; replaces arginine 1354 with leucine.
Molecular consequence: missense variant.
Genome position (GRCh38, 1-based): chr7:128,846,397, G>T. VCF-style: chr7-128846397-G-T. GRCh37 (hg19) VCF-style: chr7-128486451-G-T.
Other names: c.4061G>T, p.Arg1354Leu (NM_001127487.2); short protein forms R1354L.
Identifiers: ClinVar variation 4812365 (VCV004812365.1).

ClinVar aggregate classification (germline): Uncertain significance (1 of 4 stars; one submission).

Conditions:
Myofibrillar myopathy 5. Also called: FILAMINOPATHY, AUTOSOMAL DOMINANT; Filaminopathy (type). Identifiers: Orphanet 171445, MedGen C1836050, MONDO:0012289, OMIM 609524.
Distal myopathy with posterior leg and anterior hand involvement. Also called: WILLIAMS DISTAL MYOPATHY. Identifiers: Orphanet 63273, MedGen C3279722, MONDO:0013550, OMIM 614065.
Hypertrophic cardiomyopathy 26. Also called: Cardiomyopathy, familial hypertrophic, 26. Identifiers: Orphanet 75249, MedGen C4310749, MONDO:0014883, OMIM 617047.

gnomAD v4.1: 4 of 1,610,228 alleles (0.00025%); highest among the groups gnomAD compares: Non-Finnish European, 0.00034%; no homozygotes.

Submission:

Labcorp Genetics (formerly Invitae), Labcorp
Classification: Uncertain significance for Distal myopathy with posterior leg and anterior hand involvement; Myofibrillar myopathy 5; Hypertrophic cardiomyopathy 26. Last evaluated: 2025-06-18. Review status: criteria provided, single submitter. Criteria: Invitae Variant Classification Sherloc (09022015). Collection method: clinical testing. Allele origin: germline.
Comment: This sequence change replaces arginine, which is basic and polar, with leucine, which is neutral and non-polar, at codon 1354 of the FLNC protein (p.Arg1354Leu). This variant is not present in population databases (gnomAD no frequency). This variant has not been reported in the literature in individuals affected with FLNC-related conditions. Invitae Evidence Modeling of protein sequence and biophysical properties (such as structural, functional, and spatial information, amino acid conservation, physicochemical variation, residue mobility, and thermodynamic stability) has been performed for this missense variant. However, the output from this modeling did not meet the statistical confidence thresholds required to predict the impact of this variant on FLNC protein function. In summary, the available evidence is currently insufficient to determine the role of this variant in disease. Therefore, it has been classified as a Variant of Uncertain Significance.